The following is an entry in ClinVar:

NM_000020.3(ACVRL1):c.656G>A (p.Gly219Asp)

Gene: ACVRL1 (activin A receptor like type 1; plus strand). Cytogenetic location: 12q13.13.
Variant type: single nucleotide variant.
Coding change: c.656G>A on transcript NM_000020.3 (MANE Select); coding-DNA position 656, G replaced by A.
Protein change: p.Gly219Asp; replaces glycine 219 with aspartic acid.
Molecular consequence: missense variant.
Genome position (GRCh38, 1-based): chr12:51,914,469, G>A. VCF-style: chr12-51914469-G-A. GRCh37 (hg19) VCF-style: chr12-52308253-G-A.
Other names: c.656G>A, p.Gly219Asp (NM_001077401.2, NM_001406487.1, NM_001406488.1 and 1 more transcripts); c.344G>A, p.Gly115Asp (NM_001406490.1, NM_001406491.1, NM_001406492.1 and 2 more transcripts); c.92G>A, p.Gly31Asp (NM_001406495.1); short protein forms G219D, G31D, G115D.
Identifiers: ClinVar variation 4003295 (VCV004003295.1).

ClinVar aggregate classification (germline): Likely pathogenic (1 of 4 stars; one submission).

Conditions:
Cardiovascular phenotype. Identifiers: MedGen CN230736.

Submission:

Ambry Genetics
Classification: Likely pathogenic for Cardiovascular phenotype. Last evaluated: 2025-06-09. Review status: criteria provided, single submitter. Criteria: Ambry Variant Classification Scheme 2023. Collection method: clinical testing. Allele origin: germline.
Comment: The p.G219D variant (also known as c.656G>A), located in coding exon 5 of the ACVRL1 gene, results from a G to A substitution at nucleotide position 656. The glycine at codon 219 is replaced by aspartic acid, an amino acid with similar properties. This variant was reported in individual(s) with features consistent with hereditary hemorrhagic telangiectasia (HHT) (Bossler AD et al. Hum Mutat, 2006 Jul;27:667-75; Lenato GM et al. Hum Mutat, 2006 Feb;27:213-4; Wang XJ et al. Eur Respir J, 2019 Mar;53:[ePub ahead of print]; Ambry internal data). This variant is considered to be rare based on population cohorts in the Genome Aggregation Database (gnomAD). This amino acid position is highly conserved in available vertebrate species. In addition, this alteration is predicted to be deleterious by in silico analysis. Based on the majority of available evidence to date, this variant is likely to be pathogenic.

Literature cited by the submitters: PubMed 16429404; PubMed 16752392; PubMed 30578397.